The following is an entry in ClinVar:

NM_004281.4(BAG3):c.1028G>A (p.Arg343His)

Gene: BAG3 (BAG cochaperone 3; plus strand). Cytogenetic location: 10q26.11.
Variant type: single nucleotide variant.
Coding change: c.1028G>A on transcript NM_004281.4 (MANE Select); coding-DNA position 1028, G replaced by A.
Protein change: p.Arg343His; replaces arginine 343 with histidine.
Molecular consequence: missense variant.
Genome position (GRCh38, 1-based): chr10:119,676,582, G>A. VCF-style: chr10-119676582-G-A. GRCh37 (hg19) VCF-style: chr10-121436094-G-A.
Other names: short protein forms R343H.
Identifiers: ClinVar variation 834632 (VCV000834632.15), dbSNP rs774085746, ClinGen allele CA5716466.

ClinVar aggregate classification (germline): Uncertain significance. Review status: criteria provided, multiple submitters, no conflicts (2 of 4 stars). 5 submissions from 5 submitters: Uncertain significance (5). Last evaluated 2026-01-09.

Conditions:
Cardiovascular phenotype. Identifiers: MedGen CN230736.
Myofibrillar myopathy 6. Identifiers: Orphanet 199340, MedGen C2751831, MONDO:0013061, OMIM 612954.
Dilated cardiomyopathy 1HH (CMD1HH). Identifiers: Orphanet 154, MedGen C3151293, MONDO:0013479, OMIM 613881.

Allele frequency attached by ClinVar (database versions not stated): TOPMed 0.00001.
gnomAD v4.1: 66 of 1,613,910 alleles (0.0041%); highest among the groups gnomAD compares: Non-Finnish European, 0.0051%; no homozygotes.

Submissions (5):

Labcorp Genetics (formerly Invitae), Labcorp
Classification: Uncertain significance for Dilated cardiomyopathy 1HH; Myofibrillar myopathy 6. Last evaluated: 2026-01-09. Review status: criteria provided, single submitter. Criteria: Invitae Variant Classification Sherloc (09022015). Collection method: clinical testing. Allele origin: germline.
Comment: This sequence change replaces arginine, which is basic and polar, with histidine, which is basic and polar, at codon 343 of the BAG3 protein (p.Arg343His). This variant is present in population databases (rs774085746, gnomAD 0.01%). This variant has not been reported in the literature in individuals affected with BAG3-related conditions. ClinVar contains an entry for this variant (Variation ID: 834632). Invitae Evidence Modeling of protein sequence and biophysical properties (such as structural, functional, and spatial information, amino acid conservation, physicochemical variation, residue mobility, and thermodynamic stability) indicates that this missense variant is not expected to disrupt BAG3 protein function with a negative predictive value of 80%. In summary, the available evidence is currently insufficient to determine the role of this variant in disease. Therefore, it has been classified as a Variant of Uncertain Significance.

Dasa
Classification: Uncertain significance. Last evaluated: 2025-10-27. Review status: criteria provided, single submitter. Criteria: DASA Assertion Criteria. Collection method: clinical testing. Allele origin: germline.
Comment: NM_004281.4(BAG3):c.1028G>A (p.Arg343His) is a missense variant that results in the substitution of arginine with histidine. This variant is rare in population databases. Computational prediction algorithms are consistent with a benign effect. The currently available literature and clinical evidence are not sufficient to establish a definitive association between this variant and the reported condition. Therefore, this variant is classified as a variant of uncertain significance.

Ambry Genetics
Classification: Uncertain significance for Cardiovascular phenotype. Last evaluated: 2024-08-19. Review status: criteria provided, single submitter. Criteria: Ambry Variant Classification Scheme 2023. Collection method: clinical testing. Allele origin: germline.
Comment: The p.R343H variant (also known as c.1028G>A), located in coding exon 4 of the BAG3 gene, results from a G to A substitution at nucleotide position 1028. The arginine at codon 343 is replaced by histidine, an amino acid with highly similar properties. This amino acid position is conserved. In addition, this alteration is predicted to be tolerated by in silico analysis. Since supporting evidence is limited at this time, the clinical significance of this alteration remains unclear.

GeneDx
Classification: Uncertain significance. Last evaluated: 2021-04-30. Review status: criteria provided, single submitter. Criteria: GeneDx Variant Classification Process June 2021. Collection method: clinical testing. Allele origin: germline. Affected: yes.
Comment: Has not been previously published as pathogenic or benign to our knowledge; In silico analysis, which includes protein predictors and evolutionary conservation, supports that this variant does not alter protein structure/function

Revvity Omics, Revvity
Classification: Uncertain significance. Last evaluated: 2019-12-09. Review status: criteria provided, single submitter. Criteria: ACMG Guidelines, 2015. Collection method: clinical testing. Allele origin: germline.